The following is an entry in ClinVar:

ClinVar aggregate classification (germline): Uncertain significance (1 of 4 stars; one submission).

Conditions:
POLD1-related polyposis and colorectal cancer syndrome (CRCS10). Also called: Colorectal cancer 10; COLORECTAL CANCER, SUSCEPTIBILITY TO, ON CHROMOSOME 19q; Colorectal cancer, susceptibility to, 10. Identifiers: Orphanet 220460, MedGen C2675481, MONDO:0012953, OMIM 612591.

Submission:

Labcorp Genetics (formerly Invitae), Labcorp
Classification: Uncertain significance for POLD1-related polyposis and colorectal cancer syndrome. Last evaluated: 2023-10-10. Review status: criteria provided, single submitter. Criteria: Invitae Variant Classification Sherloc (09022015). Collection method: clinical testing. Allele origin: germline.
Comment: This sequence change replaces tryptophan, which is neutral and slightly polar, with arginine, which is basic and polar, at codon 381 of the POLD1 protein (p.Trp381Arg). This variant is not present in population databases (gnomAD no frequency). This variant has not been reported in the literature in individuals affected with POLD1-related conditions. ClinVar contains an entry for this variant (Variation ID: 1056353). Advanced modeling of protein sequence and biophysical properties (such as structural, functional, and spatial information, amino acid conservation, physicochemical variation, residue mobility, and thermodynamic stability) performed at Invitae indicates that this missense variant is expected to disrupt POLD1 protein function. Algorithms developed to predict the effect of sequence changes on RNA splicing suggest that this variant may create or strengthen a splice site. In summary, the available evidence is currently insufficient to determine the role of this variant in disease. Therefore, it has been classified as a Variant of Uncertain Significance.

NM_002691.4(POLD1):c.1141T>A (p.Trp381Arg)

Gene: POLD1 (DNA polymerase delta 1, catalytic subunit; plus strand). Cytogenetic location: 19q13.33.
Variant type: single nucleotide variant.
Coding change: c.1141T>A on transcript NM_002691.4 (MANE Select); coding-DNA position 1141, T replaced by A.
Protein change: p.Trp381Arg; replaces tryptophan 381 with arginine.
Molecular consequence: missense variant. On other transcripts: non-coding transcript variant (1).
Genome position (GRCh38, 1-based): chr19:50,403,496, T>A. VCF-style: chr19-50403496-T-A. GRCh37 (hg19) VCF-style: chr19-50906753-T-A.
Other names: c.1141T>A, p.Trp381Arg (NM_001256849.1, NM_001308632.1); short protein forms W381R.
Identifiers: ClinVar variation 1056353 (VCV001056353.9), dbSNP rs2122277198, ClinGen allele CA406978425.